The following is an entry in ClinVar:

NM_032634.4(PIGO):c.193T>A (p.Ser65Thr)

Gene: PIGO (phosphatidylinositol glycan anchor biosynthesis class O; minus strand). Cytogenetic location: 9p13.3.
Variant type: single nucleotide variant.
Coding change: c.193T>A on transcript NM_032634.4 (MANE Select); coding-DNA position 193, T replaced by A.
Protein change: p.Ser65Thr; replaces serine 65 with threonine.
Molecular consequence: missense variant.
Genome position (GRCh38, 1-based): chr9:35,095,373, A>T on the plus strand (T>A on the coding strand, the complement: PIGO is on the minus strand). VCF-style: chr9-35095373-A-T. GRCh37 (hg19) VCF-style: chr9-35095370-A-T.
Other names: c.193T>A, p.Ser65Thr (NM_001201484.2, NM_152850.4); short protein forms S65T.
Identifiers: ClinVar variation 1500863 (VCV001500863.8), dbSNP rs2131084267, ClinGen allele CA373324783.

ClinVar aggregate classification (germline): Uncertain significance (1 of 4 stars; one submission).

Conditions:
Hyperphosphatasia with impaired intellectual development syndrome 2. Also called: Hyperphosphatasia with intellectual disability syndrome 2; GLYCOSYLPHOSPHATIDYLINOSITOL BIOSYNTHESIS DEFECT 6. Identifiers: Orphanet 247262, MedGen C3553637, MONDO:0013882, OMIM 614749.

Submission:

Labcorp Genetics (formerly Invitae), Labcorp
Classification: Uncertain significance for Hyperphosphatasia with impaired intellectual development syndrome 2. Last evaluated: 2021-04-24. Review status: criteria provided, single submitter. Criteria: Invitae Variant Classification Sherloc (09022015). Collection method: clinical testing. Allele origin: germline.
Comment: This sequence change replaces serine with threonine at codon 65 of the PIGO protein (p.Ser65Thr). The serine residue is moderately conserved and there is a small physicochemical difference between serine and threonine. This variant is not present in population databases (ExAC no frequency). This variant has not been reported in the literature in individuals with PIGO-related conditions. Algorithms developed to predict the effect of missense changes on protein structure and function (SIFT, PolyPhen-2, Align-GVGD) all suggest that this variant is likely to be tolerated, but these predictions have not been confirmed by published functional studies and their clinical significance is uncertain. In summary, the available evidence is currently insufficient to determine the role of this variant in disease. Therefore, it has been classified as a Variant of Uncertain Significance.